The following is an entry in ClinVar:

NM_001184880.2(PCDH19):c.3226C>T (p.Pro1076Ser)

Gene: PCDH19 (protocadherin 19; minus strand). Cytogenetic location: Xq22.1.
Variant type: single nucleotide variant.
Coding change: c.3226C>T on transcript NM_001184880.2 (MANE Select); coding-DNA position 3226, C replaced by T.
Protein change: p.Pro1076Ser; replaces proline 1076 with serine.
Molecular consequence: missense variant.
Genome position (GRCh38, 1-based): chrX:100,296,498, G>A on the plus strand (C>T on the coding strand, the complement: PCDH19 is on the minus strand). VCF-style: chrX-100296498-G-A. GRCh37 (hg19) VCF-style: chrX-99551496-G-A.
Other names: c.3085C>T, p.Pro1029Ser (NM_001105243.2); c.3082C>T, p.Pro1028Ser (NM_020766.3); short protein forms P1029S, P1076S, P1028S.
Identifiers: ClinVar variation 1429699 (VCV001429699.8), dbSNP rs764781288, ClinGen allele CA10468655.

ClinVar aggregate classification (germline): Uncertain significance (1 of 4 stars; one submission).

Conditions:
Developmental and epileptic encephalopathy, 9 (DEE9). Also called: Early infantile epileptic encephalopathy 9; EPILEPSY, FEMALE-RESTRICTED, WITH MENTAL RETARDATION; JUBERG-HELLMAN SYNDROME; PCDH19-Related X-Linked Female-Limited Epilepsy with Mental Retardation. Identifiers: Orphanet 101039, Orphanet 2076, MedGen C1848137, MONDO:0010246, OMIM 300088. Disease mechanism: loss of function.

Allele frequency attached by ClinVar (database versions not stated): ExAC 0.00001; gnomAD exomes 0.00001; TOPMed 0.00001.
gnomAD v4.1: 6 of 1,211,346 alleles (0.0005%); no homozygotes.

Submission:

Labcorp Genetics (formerly Invitae), Labcorp
Classification: Uncertain significance for Developmental and epileptic encephalopathy, 9. Last evaluated: 2024-01-08. Review status: criteria provided, single submitter. Criteria: Invitae Variant Classification Sherloc (09022015). Collection method: clinical testing. Allele origin: germline.
Comment: This sequence change replaces proline, which is neutral and non-polar, with serine, which is neutral and polar, at codon 1076 of the PCDH19 protein (p.Pro1076Ser). This variant is present in population databases (rs764781288, gnomAD 0.03%). This variant has not been reported in the literature in individuals affected with PCDH19-related conditions. ClinVar contains an entry for this variant (Variation ID: 1429699). Advanced modeling of protein sequence and biophysical properties (such as structural, functional, and spatial information, amino acid conservation, physicochemical variation, residue mobility, and thermodynamic stability) performed at Invitae indicates that this missense variant is not expected to disrupt PCDH19 protein function with a negative predictive value of 95%. In summary, the available evidence is currently insufficient to determine the role of this variant in disease. Therefore, it has been classified as a Variant of Uncertain Significance.